The following is an entry in ClinVar:

ClinVar aggregate classification (germline): Uncertain significance (1 of 4 stars; one submission).

Submission:

GeneDx
Classification: Uncertain significance. Last evaluated: 2014-02-18. Review status: criteria provided, single submitter. Criteria: GeneDx Variant Classification (06012015). Collection method: clinical testing. Allele origin: germline. Affected: yes.
Comment: Missense variants in the TTN gene are considered 'unclassified' if they are not previously reported in the literature and do not have >1% frequency in the population to be considered a polymorphism. Research indicates that truncating mutations in the TTN gene are expected to account for approximately 25% of familial and 18% of sporadic idiopathic DCM; however, truncating variants in the TTN gene have been reported in approximately 3% of reported control alleles. There has been little investigation into non-truncating variants. (Herman D et al. Truncations of titin causing dilated cardiomyopathy. N Eng J Med 366:619-628, 2012) The variant is found in DCM-CRDM panel(s).

NM_001267550.2(TTN):c.73879G>A (p.Asp24627Asn)

Genes: TTN-AS1 (TTN antisense RNA 1; plus strand), TTN (titin; minus strand). Cytogenetic location: 2q31.2.
Variant type: single nucleotide variant.
Coding change: c.73879G>A on transcript NM_001267550.2 (MANE Select); coding-DNA position 73879, G replaced by A.
Protein change: p.Asp24627Asn; replaces aspartic acid 24627 with asparagine.
Molecular consequence: missense variant.
Genome position (GRCh38, 1-based): chr2:178,572,253, C>T on the plus strand (G>A on the coding strand, the complement: TTN is on the minus strand). VCF-style: chr2-178572253-C-T. GRCh37 (hg19) VCF-style: chr2-179436980-C-T.
Other names: p.D22986N:GAT>AAT; c.68956G>A, p.Asp22986Asn (NM_001256850.1); c.46684G>A, p.Asp15562Asn (NM_003319.4); c.66175G>A, p.Asp22059Asn (NM_133378.4); c.47059G>A, p.Asp15687Asn (NM_133432.3); c.47260G>A, p.Asp15754Asn (NM_133437.4); short protein forms D22986N, D24627N, D15562N, D15687N, D15754N, D22059N.
Identifiers: ClinVar variation 202852 (VCV000202852.2), dbSNP rs794729494, ClinGen allele CA310484.